The following is an entry in ClinVar:

NM_000883.4(IMPDH1):c.928A>C (p.Thr310Pro)

Gene: IMPDH1 (inosine monophosphate dehydrogenase 1; minus strand). Cytogenetic location: 7q32.1.
Variant type: single nucleotide variant.
Coding change: c.928A>C on transcript NM_000883.4 (MANE Select); coding-DNA position 928, A replaced by C.
Protein change: p.Thr310Pro; replaces threonine 310 with proline.
Molecular consequence: missense variant.
Genome position (GRCh38, 1-based): chr7:128,398,560, T>G on the plus strand (A>C on the coding strand, the complement: IMPDH1 is on the minus strand). VCF-style: chr7-128398560-T-G. GRCh37 (hg19) VCF-style: chr7-128038614-T-G.
Other names: c.898A>C, p.Thr300Pro (NM_001102605.2); c.673A>C, p.Thr225Pro (NM_001142573.2); c.658A>C, p.Thr220Pro (NM_001142574.2); c.598A>C, p.Thr200Pro (NM_001142575.2); c.829A>C, p.Thr277Pro (NM_001142576.2); c.721A>C, p.Thr241Pro (NM_001304521.2); c.820A>C, p.Thr274Pro (NM_183243.3); short protein forms T310P, T220P, T225P, T274P, T241P, T200P, T277P, T300P.
Identifiers: ClinVar variation 374177 (VCV000374177.4), dbSNP rs1057518949, ClinGen allele CA16043423.

ClinVar aggregate classification (germline): Likely pathogenic. Review status: criteria provided, single submitter (1 of 4 stars). 2 submissions from 1 submitter: Likely pathogenic (2). Last evaluated 2019-08-22.

Conditions:
Leber congenital amaurosis 11 (LCA11). Identifiers: Orphanet 65, MedGen C1840284, MONDO:0013454, OMIM 613837.
Retinitis pigmentosa (RP). Identifiers: Orphanet 791, MedGen C0035334, MeSH D012174, MONDO:0019200, OMIM 268000. Inheritance: Autosomal dominant, autosomal recessive and X linked inheritance.

Submissions (2):

Centre for Mendelian Genomics, University Medical Centre Ljubljana
Classification: Likely pathogenic for Leber congenital amaurosis 11. Last evaluated: 2019-08-22. Review status: criteria provided, single submitter. Criteria: ACMG Guidelines, 2015. Collection method: clinical testing. Allele origin: unknown. Affected: yes.
Comment: This variant was classified as: Likely pathogenic. The following ACMG criteria were applied in classifying this variant: PM1,PM2,PP3,PP4.

Centre for Mendelian Genomics, University Medical Centre Ljubljana
Classification: Likely pathogenic for Retinitis pigmentosa. Last evaluated: 2013-12-10. Review status: criteria provided, single submitter. Criteria: ACMG Guidelines, 2015. Collection method: clinical testing. Allele origin: unknown. Affected: yes.